The following is an entry in ClinVar:

NM_007194.4(CHEK2):c.1514C>T (p.Ser505Phe)

Gene: CHEK2 (checkpoint kinase 2; minus strand). Cytogenetic location: 22q12.1.
Variant type: single nucleotide variant.
Coding change: c.1514C>T on transcript NM_007194.4 (MANE Select); coding-DNA position 1514, C replaced by T.
Protein change: p.Ser505Phe; replaces serine 505 with phenylalanine.
Molecular consequence: missense variant.
Genome position (GRCh38, 1-based): chr22:28,689,163, G>A on the plus strand (C>T on the coding strand, the complement: CHEK2 is on the minus strand). VCF-style: chr22-28689163-G-A. GRCh37 (hg19) VCF-style: chr22-29085151-G-A.
Other names: c.1643C>T, p.Ser548Phe (NM_001005735.3); c.851C>T, p.Ser284Phe (NM_001257387.3, NM_001437942.1); c.1313C>T, p.Ser438Phe (NM_001349956.3); c.1607C>T, p.Ser536Phe (NM_001438293.1); c.1556C>T, p.Ser519Phe (NM_001438294.1); c.1520C>T, p.Ser507Phe (NM_001438295.1); c.1427C>T, p.Ser476Phe (NM_145862.3); short protein forms S507F, S519F, S548F, S438F, S476F, S536F, S284F, S505F.
Identifiers: ClinVar variation 4768296 (VCV004768296.1).

ClinVar aggregate classification (germline): Uncertain significance (1 of 4 stars; one submission).

Conditions:
Familial cancer of breast. Also called: BREAST CANCER, FAMILIAL; Hereditary breast cancer; hereditary breast carcinoma. Identifiers: Orphanet 227535, MedGen C0346153, MONDO:0016419, OMIM 114480. Disease mechanism: loss of function.

Submission:

Labcorp Genetics (formerly Invitae), Labcorp
Classification: Uncertain significance for Familial cancer of breast. Last evaluated: 2025-05-18. Review status: criteria provided, single submitter. Criteria: Invitae Variant Classification Sherloc (09022015). Collection method: clinical testing. Allele origin: germline.
Comment: This sequence change replaces serine, which is neutral and polar, with phenylalanine, which is neutral and non-polar, at codon 505 of the CHEK2 protein (p.Ser505Phe). This variant is not present in population databases (gnomAD no frequency). This variant has not been reported in the literature in individuals affected with CHEK2-related conditions. An algorithm developed to predict the effect of missense changes on protein structure and function (PolyPhen-2) suggests that this variant is likely to be tolerated. In summary, the available evidence is currently insufficient to determine the role of this variant in disease. Therefore, it has been classified as a Variant of Uncertain Significance.